The following is an entry in ClinVar:

NM_014975.3(MAST1):c.865C>G (p.Leu289Val)

Gene: MAST1 (microtubule associated serine/threonine kinase 1; plus strand). Cytogenetic location: 19p13.13.
Variant type: single nucleotide variant.
Coding change: c.865C>G on transcript NM_014975.3 (MANE Select); coding-DNA position 865, C replaced by G.
Protein change: p.Leu289Val; replaces leucine 289 with valine.
Molecular consequence: missense variant.
Genome position (GRCh38, 1-based): chr19:12,852,024, C>G. VCF-style: chr19-12852024-C-G. GRCh37 (hg19) VCF-style: chr19-12962838-C-G.
Other names: short protein forms L289V.
Identifiers: ClinVar variation 1805192 (VCV001805192.1), dbSNP rs1395241247, ClinGen allele CA404264230.

ClinVar aggregate classification (germline): Uncertain significance (1 of 4 stars; one submission).

Conditions:
Mega-corpus-callosum syndrome with cerebellar hypoplasia and cortical malformations. Identifiers: MedGen C4748927, MONDO:0032648, OMIM 618273.

Allele frequency attached by ClinVar (database versions not stated): gnomAD exomes 0.00001.
gnomAD v4.1: 7 of 1,614,064 alleles (0.00043%); highest among the groups gnomAD compares: Non-Finnish European, 0.00059%; no homozygotes.

Submission:

Victorian Clinical Genetics Services, Murdoch Childrens Research Institute
Classification: Uncertain significance for Mega-corpus-callosum syndrome with cerebellar hypoplasia and cortical malformations. Last evaluated: 2022-02-02. Review status: criteria provided, single submitter. Criteria: ACMG Guidelines, 2015. Collection method: clinical testing. Allele origin: germline. Inheritance: Autosomal dominant inheritance.
Comment: Based on the classification scheme VCGS_Germline_v1.3.4, this variant is classified as VUS-3B. Following criteria are met: 0105 - The mechanism of disease for this gene is not clearly established. However, gain of function and dominant negative have been reported (PMIDs: 30449657, 32198973). (I) 0107 - This gene is associated with autosomal dominant disease. (I) 0200 - Variant is predicted to result in a missense amino acid change from leucine to valine. (I) 0251 - This variant is heterozygous. (I) 0301 - Variant is absent from gnomAD (both v2 and v3). (SP) 0502 - Missense variant with conflicting in silico predictions and uninformative conservation. (I) 0604 - Variant is not located in an established domain, motif, hotspot or informative constraint region. (I) 0705 - No comparable missense variants have previous evidence for pathogenicity. (I) 0807 - This variant has no previous evidence of pathogenicity. (I) 0905 - No published segregation evidence has been identified for this variant. (I) 1007 - No published functional evidence has been identified for this variant. (I) 1208 - Inheritance information for this variant is not currently available in this individual. (I) Legend: (SP) - Supporting pathogenic, (I) - Information, (SB) - Supporting benign

Literature cited by the submitters: PubMed 30449657; PubMed 32198973.